The following is an entry in ClinVar:

NM_000275.3(OCA2):c.1688C>T (p.Pro563Leu)

Gene: OCA2 (OCA2 melanosomal transmembrane protein; minus strand). Cytogenetic location: 15q13.1.
Variant type: single nucleotide variant.
Coding change: c.1688C>T on transcript NM_000275.3 (MANE Select); coding-DNA position 1688, C replaced by T.
Protein change: p.Pro563Leu; replaces proline 563 with leucine.
Molecular consequence: missense variant.
Genome position (GRCh38, 1-based): chr15:27,957,684, G>A on the plus strand (C>T on the coding strand, the complement: OCA2 is on the minus strand). VCF-style: chr15-27957684-G-A. GRCh37 (hg19) VCF-style: chr15-28202830-G-A.
Other names: c.1616C>T, p.Pro539Leu (NM_001300984.2); c.1688C>T (NM_000275.2); short protein forms P539L, P563L.
Identifiers: ClinVar variation 1007893 (VCV001007893.6), dbSNP rs201904219, ClinGen allele CA7438943.

ClinVar aggregate classification (germline): Uncertain significance. Review status: criteria provided, multiple submitters, no conflicts (2 of 4 stars). 2 submissions from 2 submitters: Uncertain significance (2). Last evaluated 2024-11-05.

Conditions:
Inborn genetic diseases. Identifiers: MedGen C0950123, MeSH D030342.

Allele frequency attached by ClinVar (database versions not stated): 1000 Genomes Project 30x 0.00016; TOPMed 0.00007; gnomAD 0.00014.
gnomAD v4.1: 143 of 1,613,058 alleles (0.0089%); highest among the groups gnomAD compares: Non-Finnish European, 0.007%; no homozygotes.

Submissions (2):

Labcorp Genetics (formerly Invitae), Labcorp
Classification: Uncertain significance. Last evaluated: 2024-11-05. Review status: criteria provided, single submitter. Criteria: Invitae Variant Classification Sherloc (09022015). Collection method: clinical testing. Allele origin: germline.
Comment: This sequence change replaces proline, which is neutral and non-polar, with leucine, which is neutral and non-polar, at codon 563 of the OCA2 protein (p.Pro563Leu). This variant is present in population databases (rs201904219, gnomAD 0.06%). This variant has not been reported in the literature in individuals affected with OCA2-related conditions. ClinVar contains an entry for this variant (Variation ID: 1007893). Invitae Evidence Modeling of protein sequence and biophysical properties (such as structural, functional, and spatial information, amino acid conservation, physicochemical variation, residue mobility, and thermodynamic stability) indicates that this missense variant is not expected to disrupt OCA2 protein function with a negative predictive value of 80%. In summary, the available evidence is currently insufficient to determine the role of this variant in disease. Therefore, it has been classified as a Variant of Uncertain Significance.

Ambry Genetics
Classification: Uncertain significance for Inborn genetic diseases. Last evaluated: 2024-04-24. Review status: criteria provided, single submitter. Criteria: Ambry Variant Classification Scheme 2023. Collection method: clinical testing. Allele origin: germline.